The following is an entry in ClinVar:

NM_001270508.2(TNFAIP3):c.1301C>T (p.Ala434Val)

Gene: TNFAIP3 (TNF alpha induced protein 3; plus strand). Cytogenetic location: 6q23.3.
Variant type: single nucleotide variant.
Coding change: c.1301C>T on transcript NM_001270508.2 (MANE Select); coding-DNA position 1301, C replaced by T.
Protein change: p.Ala434Val; replaces alanine 434 with valine.
Molecular consequence: missense variant.
Genome position (GRCh38, 1-based): chr6:137,878,746, C>T. VCF-style: chr6-137878746-C-T. GRCh37 (hg19) VCF-style: chr6-138199883-C-T.
Other names: c.1301C>T, p.Ala434Val (NM_001270507.2, NM_006290.4); short protein forms A434V.
Identifiers: ClinVar variation 1649593 (VCV001649593.12), dbSNP rs144728856, ClinGen allele CA4019606.

ClinVar aggregate classification (germline): Benign/Likely benign. Review status: criteria provided, multiple submitters, no conflicts (2 of 4 stars). 2 submissions from 2 submitters: Benign (1); Likely benign (1). Last evaluated 2026-02-01.

Allele frequency attached by ClinVar (database versions not stated): gnomAD 0.00003 and 0.00004; ESP Exome Variant Server 0.00008.
gnomAD v4.1: 90 of 1,613,992 alleles (0.0056%); highest among the groups gnomAD compares: African/African-American, 0.0067%; no homozygotes.

Submissions (2):

CeGaT Center for Human Genetics Tuebingen
Classification: Likely benign. Last evaluated: 2026-02-01. Review status: criteria provided, single submitter. Criteria: CeGaT Center For Human Genetics Tuebingen Variant Classification Criteria Version 2. Collection method: clinical testing. Allele origin: germline. Affected: yes. Observed: 1 variant allele.
Comment: TNFAIP3: BP4

Labcorp Genetics (formerly Invitae), Labcorp
Classification: Benign. Last evaluated: 2025-10-20. Review status: criteria provided, single submitter. Criteria: Invitae Variant Classification Sherloc (09022015). Collection method: clinical testing. Allele origin: germline.